The following is an entry in ClinVar:

NM_000064.4(C3):c.2134C>T (p.Arg712Cys)

Gene: C3 (complement C3; minus strand). Cytogenetic location: 19p13.3.
Variant type: single nucleotide variant.
Coding change: c.2134C>T on transcript NM_000064.4 (MANE Select); coding-DNA position 2134, C replaced by T.
Protein change: p.Arg712Cys; replaces arginine 712 with cysteine.
Molecular consequence: missense variant.
Genome position (GRCh38, 1-based): chr19:6,707,187, G>A on the plus strand (C>T on the coding strand, the complement: C3 is on the minus strand). VCF-style: chr19-6707187-G-A. GRCh37 (hg19) VCF-style: chr19-6707198-G-A.
Other names: short protein forms R712C.
Identifiers: ClinVar variation 1374863 (VCV001374863.6), dbSNP rs763061857, ClinGen allele CA9129183.
Genomic context (GRCh38, chr19:6,707,187, plus strand): 5'-TGATGTAGTTGCAGCAGTCCAGGAAGACCTTCTTGCACGCCTCGCCCAGGGAGATGAAAC[G>A]GGTCCGGCGCTGGCACGAGAACCTCATGGGGTTCTCCCGCATGCCGTCCTCGCAGCACTT-3'
Protein context (NP_000055.2, residues 702-722): PMRFSCQRRT[Arg712Cys]FISLGEACKK

ClinVar aggregate classification (germline): Uncertain significance (1 of 4 stars; one submission).

Allele frequency attached by ClinVar (database versions not stated): gnomAD exomes below 0.00001 and 0.00001; ExAC 0.00001.
gnomAD v4.1: 7 of 1,613,796 alleles (0.00043%); highest among the groups gnomAD compares: Admixed American, 0.0067%; no homozygotes.

Submission:

Labcorp Genetics (formerly Invitae), Labcorp
Classification: Uncertain significance. Last evaluated: 2025-08-21. Review status: criteria provided, single submitter. Criteria: Invitae Variant Classification Sherloc (09022015). Collection method: clinical testing. Allele origin: germline.
Comment: This sequence change replaces arginine, which is basic and polar, with cysteine, which is neutral and slightly polar, at codon 712 of the C3 protein (p.Arg712Cys). This variant is present in population databases (rs763061857, gnomAD 0.003%). This variant has not been reported in the literature in individuals affected with C3-related conditions. ClinVar contains an entry for this variant (Variation ID: 1374863). Invitae Evidence Modeling of protein sequence and biophysical properties (such as structural, functional, and spatial information, amino acid conservation, physicochemical variation, residue mobility, and thermodynamic stability) has been performed for this missense variant. However, the output from this modeling did not meet the statistical confidence thresholds required to predict the impact of this variant on C3 protein function. In summary, the available evidence is currently insufficient to determine the role of this variant in disease. Therefore, it has been classified as a Variant of Uncertain Significance.